The following is an entry in ClinVar:

ClinVar aggregate classification (germline): Uncertain significance. Review status: criteria provided, multiple submitters, no conflicts (2 of 4 stars). 2 submissions from 2 submitters: Uncertain significance (2). Last evaluated 2020-02-05.

Conditions:
Charcot-Marie-Tooth disease type 4. Also called: Charcot-Marie-Tooth disease, type IV; Charcot-Marie-Tooth, Type 4. Identifiers: Orphanet 64749, MedGen C4082197, MONDO:0018995.

Allele frequency attached by ClinVar (database versions not stated): gnomAD 0.00001; TOPMed 0.00001.
gnomAD v4.1: 10 of 1,613,834 alleles (0.00062%); highest among the groups gnomAD compares: Non-Finnish European, 0.00085%; no homozygotes.

Submissions (2):

Blueprint Genetics
Classification: Uncertain significance. Last evaluated: 2020-02-05. Review status: criteria provided, single submitter. Criteria: ACMG Guidelines, 2015. Collection method: clinical testing. Allele origin: germline.

Labcorp Genetics (formerly Invitae), Labcorp
Classification: Uncertain significance for Charcot-Marie-Tooth disease type 4. Last evaluated: 2016-06-21. Review status: criteria provided, single submitter. Criteria: Invitae Variant Classification Sherloc (09022015). Collection method: clinical testing. Allele origin: germline.
Comment: In summary, this variant is a novel missense change that is not predicted to affect protein function. There is no indication that it causes disease, but the available evidence is currently insufficient to prove that conclusively. Therefore, it has been classified as a Variant of Uncertain Significance. Algorithms developed to predict the effect of missense changes on protein structure and function (SIFT, PolyPhen-2, Align-GVGD) all suggest that this variant is likely to be tolerated, but these predictions have not been confirmed by published functional studies. This variant is not present in population databases (ExAC no frequency) and has not been reported in the literature in individuals with a SBF2-related disease. This sequence change replaces serine with threonine at codon 839 of the SBF2 protein (p.Ser839Thr). The serine residue is moderately conserved and there is a small physicochemical difference between serine and threonine.

NM_030962.4(SBF2):c.2516G>C (p.Ser839Thr)

Genes: SBF2 (SET binding factor 2; minus strand), LOC101928008 (uncharacterized LOC101928008; plus strand). Cytogenetic location: 11p15.4.
Variant type: single nucleotide variant.
Coding change: c.2516G>C on transcript NM_030962.4 (MANE Select); coding-DNA position 2516, G replaced by C.
Protein change: p.Ser839Thr; replaces serine 839 with threonine.
Molecular consequence: missense variant.
Genome position (GRCh38, 1-based): chr11:9,853,560, C>G on the plus strand (G>C on the coding strand, the complement: SBF2 is on the minus strand). VCF-style: chr11-9853560-C-G. GRCh37 (hg19) VCF-style: chr11-9875107-C-G.
Other names: c.2516G>C, p.Ser839Thr (NM_001386339.1); c.2387G>C, p.Ser796Thr (NM_001386342.1); short protein forms S839T, S796T.
Identifiers: ClinVar variation 403863 (VCV000403863.10), dbSNP rs1060500002, ClinGen allele CA16613480.